The following is an entry in ClinVar:

ClinVar aggregate classification (germline): Uncertain significance. Review status: criteria provided, multiple submitters, no conflicts (2 of 4 stars). 2 submissions from 2 submitters: Uncertain significance (2). Last evaluated 2025-06-18.

Allele frequency attached by ClinVar (database versions not stated): ExAC 0.00001.
gnomAD v4.1: 8 of 1,612,876 alleles (0.0005%); highest among the groups gnomAD compares: Admixed American, 0.005%; no homozygotes.

Submissions (2):

Ambry Genetics
Classification: Uncertain significance. Last evaluated: 2025-06-18. Review status: criteria provided, single submitter. Criteria: Ambry Variant Classification Scheme 2023. Collection method: clinical testing. Allele origin: germline.

Labcorp Genetics (formerly Invitae), Labcorp
Classification: Uncertain significance. Last evaluated: 2022-08-30. Review status: criteria provided, single submitter. Criteria: Invitae Variant Classification Sherloc (09022015). Collection method: clinical testing. Allele origin: germline.
Comment: This sequence change replaces arginine, which is basic and polar, with cysteine, which is neutral and slightly polar, at codon 106 of the LOXL3 protein (p.Arg106Cys). This variant is present in population databases (rs770526303, gnomAD 0.002%). This variant has not been reported in the literature in individuals affected with LOXL3-related conditions. Algorithms developed to predict the effect of missense changes on protein structure and function (SIFT, PolyPhen-2, Align-GVGD) all suggest that this variant is likely to be disruptive. In summary, the available evidence is currently insufficient to determine the role of this variant in disease. Therefore, it has been classified as a Variant of Uncertain Significance.

NM_032603.5(LOXL3):c.316C>T (p.Arg106Cys)

Genes: DOK1 (docking protein 1; plus strand), LOXL3 (lysyl oxidase like 3; minus strand). Cytogenetic location: 2p13.1.
Variant type: single nucleotide variant.
Coding change: c.316C>T on transcript NM_032603.5 (MANE Select); coding-DNA position 316, C replaced by T.
Protein change: p.Arg106Cys; replaces arginine 106 with cysteine.
Molecular consequence: missense variant. On other transcripts: intron variant (1).
Genome position (GRCh38, 1-based): chr2:74,550,346, G>A on the plus strand (C>T on the coding strand, the complement: LOXL3 is on the minus strand). VCF-style: chr2-74550346-G-A. GRCh37 (hg19) VCF-style: chr2-74777473-G-A.
Other names: c.316C>T, p.Arg106Cys (NM_001289164.3); c.-358+1174G>A (NM_001197260.2); short protein forms R106C.
Identifiers: ClinVar variation 1928495 (VCV001928495.3), dbSNP rs770526303, ClinGen allele CA1729207.